The following is an entry in ClinVar:

ClinVar aggregate classification (germline): Uncertain significance. Review status: criteria provided, multiple submitters, no conflicts (2 of 4 stars). 2 submissions from 2 submitters: Uncertain significance (2). Last evaluated 2025-08-20.

Conditions:
Hereditary cancer-predisposing syndrome. Also called: Neoplastic Syndromes, Hereditary; Tumor predisposition; Hereditary Cancer Syndrome; Hereditary neoplastic syndrome. Identifiers: Orphanet 140162, MedGen C0027672, MeSH D009386, MONDO:0015356.

Submissions (2):

Ambry Genetics
Classification: Uncertain significance for Hereditary cancer-predisposing syndrome. Last evaluated: 2025-08-20. Review status: criteria provided, single submitter. Criteria: Ambry Variant Classification Scheme 2023. Collection method: clinical testing. Allele origin: germline.
Comment: The p.L651V variant (also known as c.1951C>G), located in coding exon 13 of the PDGFRA gene, results from a C to G substitution at nucleotide position 1951. The leucine at codon 651 is replaced by valine, an amino acid with highly similar properties. This amino acid position is conserved. In addition, this alteration is predicted to be deleterious by in silico analysis. Based on the available evidence, the clinical significance of this variant remains unclear.

GeneDx
Classification: Uncertain significance. Last evaluated: 2024-05-14. Review status: criteria provided, single submitter. Criteria: GeneDx Variant Classification Process June 2021. Collection method: clinical testing. Allele origin: germline. Affected: yes.
Comment: Not observed at significant frequency in large population cohorts (gnomAD); In silico analysis supports that this missense variant has a deleterious effect on protein structure/function; Has not been previously published as pathogenic or benign to our knowledge

NM_006206.6(PDGFRA):c.1951C>G (p.Leu651Val)

Gene: PDGFRA (platelet derived growth factor receptor alpha; plus strand). Cytogenetic location: 4q12.
Variant type: single nucleotide variant.
Coding change: c.1951C>G on transcript NM_006206.6 (MANE Select); coding-DNA position 1951, C replaced by G.
Protein change: p.Leu651Val; replaces leucine 651 with valine.
Molecular consequence: missense variant.
Genome position (GRCh38, 1-based): chr4:54,277,955, C>G. VCF-style: chr4-54277955-C-G. GRCh37 (hg19) VCF-style: chr4-55144122-C-G.
Other names: c.1951C>G, p.Leu651Val (NM_001347827.2, NM_001347829.2); c.2026C>G, p.Leu676Val (NM_001347828.2); c.1990C>G, p.Leu664Val (NM_001347830.2); short protein forms L651V, L664V, L676V.
Identifiers: ClinVar variation 3378276 (VCV003378276.2).
Genomic context (GRCh38, chr4:54,277,955, plus strand): 5'-GCCACGGCCAGATCCAGTGAAAAACAAGCTCTCATGTCTGAACTGAAGATAATGACTCAC[C>G]TGGGGCCACATTTGAACATTGTAAACTTGCTGGGAGCCTGCACCAAGTCAGGTGGGCTCA-3'
Protein context (NP_006197.1, residues 641-661): LMSELKIMTH[Leu651Val]GPHLNIVNLL